The following is an entry in ClinVar:

ClinVar aggregate classification (germline): Conflicting classifications of pathogenicity. Review status: criteria provided, conflicting classifications (1 of 4 stars). 3 submissions from 3 submitters: Uncertain significance (2); Likely benign (1). Last evaluated 2024-12-11.

Conditions:
Congenital contractural arachnodactyly (CCA). Also called: BEALS SYNDROME; Beals-Hecht syndrome; Arthrogryposis, distal, type 9. Identifiers: Orphanet 115, MedGen C0220668, MONDO:0007363, OMIM 121050.

Allele frequency attached by ClinVar (database versions not stated): gnomAD exomes below 0.00001; ExAC 0.00001; gnomAD 0.00002; TOPMed 0.00004; ESP Exome Variant Server 0.00008.
gnomAD v4.1: 3 of 1,609,600 alleles (0.00019%); highest among the groups gnomAD compares: African/African-American, 0.004%; no homozygotes.

Submissions (3):

Labcorp Genetics (formerly Invitae), Labcorp
Classification: Likely benign for Congenital contractural arachnodactyly. Last evaluated: 2024-12-11. Review status: criteria provided, single submitter. Criteria: Invitae Variant Classification Sherloc (09022015). Collection method: clinical testing. Allele origin: germline.

GeneDx
Classification: Uncertain significance. Last evaluated: 2021-06-26. Review status: criteria provided, single submitter. Criteria: GeneDx Variant Classification Process June 2021. Collection method: clinical testing. Allele origin: germline. Affected: yes.
Comment: Not observed at significant frequency in large population cohorts (Lek et al., 2016); In silico analysis supports that this missense variant has a deleterious effect on protein structure/function; Has not been previously published as pathogenic or benign to our knowledge; Although located in a calcium-binding EGF-like domain of the FBN2 gene, it does not affect a cysteine residue within this domain; cysteine substitutions in the calcium-binding EGF-like domains represent the majority of pathogenic missense changes associated with FBN2-related disorders (Frederic et al., 2009).; This variant is associated with the following publications: (PMID: 27535533, 18767143)

Illumina Laboratory Services, Illumina
Classification: Uncertain significance for Congenital contractural arachnodactyly. Last evaluated: 2018-01-13. Review status: criteria provided, single submitter. Criteria: ICSL Variant Classification Criteria 13 December 2019. Collection method: clinical testing. Allele origin: germline.

NM_001999.4(FBN2):c.4489T>G (p.Phe1497Val)

Gene: FBN2 (fibrillin 2; minus strand). Cytogenetic location: 5q23.3.
Variant type: single nucleotide variant.
Coding change: c.4489T>G on transcript NM_001999.4 (MANE Select); coding-DNA position 4489, T replaced by G.
Protein change: p.Phe1497Val; replaces phenylalanine 1497 with valine.
Molecular consequence: missense variant.
Genome position (GRCh38, 1-based): chr5:128,318,984, A>C on the plus strand (T>G on the coding strand, the complement: FBN2 is on the minus strand). VCF-style: chr5-128318984-A-C. GRCh37 (hg19) VCF-style: chr5-127654676-A-C.
Other names: short protein forms F1497V.
Identifiers: ClinVar variation 904750 (VCV000904750.12), dbSNP rs150986564, ClinGen allele CA3394922.